The following is an entry in ClinVar:

ClinVar aggregate classification (germline): Uncertain significance (1 of 4 stars; one submission).

Conditions:
Familial temporal lobe epilepsy 8. Identifiers: Orphanet 101046, MedGen C4225318, MONDO:0014650, OMIM 616461.

Allele frequency attached by ClinVar (database versions not stated): gnomAD exomes 0.00001.
gnomAD v4.1: 1 of 1,566,832 alleles (0.000064%); no homozygotes.

Submission:

Centre for Mendelian Genomics, University Medical Centre Ljubljana
Classification: Uncertain significance for Familial temporal lobe epilepsy 8. Last evaluated: 2019-03-12. Review status: criteria provided, single submitter. Criteria: ACMG Guidelines, 2015. Collection method: clinical testing. Allele origin: unknown. Affected: yes.
Comment: This variant was classified as: Uncertain significance. The available evidence on this variant's pathogenicity is insufficient or conflicting. The following ACMG criteria were applied in classifying this variant: BP4.

NM_015973.5(GAL):c.81+12G>A

Gene: GAL (galanin and GMAP prepropeptide; plus strand). Cytogenetic location: 11q13.2.
Variant type: single nucleotide variant.
Coding change: c.81+12G>A on transcript NM_015973.5 (MANE Select); 12 bases into the intron after coding-DNA position 81, G replaced by A.
Molecular consequence: intron variant.
Genome position (GRCh38, 1-based): chr11:68,685,016, G>A. VCF-style: chr11-68685016-G-A. GRCh37 (hg19) VCF-style: chr11-68452484-G-A.
Identifiers: ClinVar variation 931506 (VCV000931506.3), dbSNP rs1338973790, ClinGen allele CA599974185.